The following is an entry in ClinVar:

NM_005068.3(SIM1):c.1647T>G (p.Tyr549Ter)

Gene: SIM1 (SIM bHLH transcription factor 1; minus strand). Cytogenetic location: 6q16.3.
Variant type: single nucleotide variant.
Coding change: c.1647T>G on transcript NM_005068.3 (MANE Select); coding-DNA position 1647, T replaced by G.
Protein change: p.Tyr549Ter; replaces tyrosine 549 with a stop codon.
Molecular consequence: nonsense.
Genome position (GRCh38, 1-based): chr6:100,391,015, A>C on the plus strand (T>G on the coding strand, the complement: SIM1 is on the minus strand). VCF-style: chr6-100391015-A-C. GRCh37 (hg19) VCF-style: chr6-100838891-A-C.
Other names: c.1647T>G, p.Tyr549Ter (NM_001374769.1); short protein forms Y549*.
Identifiers: ClinVar variation 3373228 (VCV003373228.1).

ClinVar aggregate classification (germline): Uncertain significance (1 of 4 stars; one submission).

Submission:

GeneDx
Classification: Uncertain significance. Last evaluated: 2024-05-01. Review status: criteria provided, single submitter. Criteria: GeneDx Variant Classification Process June 2021. Collection method: clinical testing. Allele origin: germline. Affected: yes.
Comment: Not observed at significant frequency in large population cohorts (gnomAD); Nonsense variant predicted to result in protein truncation as the last 218 amino acids are lost, although loss-of-function variants have not been reported downstream of this position in the protein; Has not been previously published as pathogenic or benign to our knowledge